The following is an entry in ClinVar:

ClinVar aggregate classification (germline): Uncertain significance (1 of 4 stars; one submission).

Allele frequency attached by ClinVar (database versions not stated): gnomAD 0.00001; TOPMed 0.00001.
gnomAD v4.1: 5 of 1,261,148 alleles (0.0004%); highest among the groups gnomAD compares: African/African-American, 0.0031%; no homozygotes.

Submission:

Labcorp Genetics (formerly Invitae), Labcorp
Classification: Uncertain significance. Last evaluated: 2023-03-13. Review status: criteria provided, single submitter. Criteria: Invitae Variant Classification Sherloc (09022015). Collection method: clinical testing. Allele origin: germline.
Comment: This sequence change replaces arginine, which is basic and polar, with leucine, which is neutral and non-polar, at codon 26 of the GSN protein (p.Arg26Leu). This variant is present in population databases (no rsID available, gnomAD 0.01%). This variant has not been reported in the literature in individuals affected with GSN-related conditions. Algorithms developed to predict the effect of missense changes on protein structure and function output the following: SIFT: "Not Available"; PolyPhen-2: "Benign"; Align-GVGD: "Not Available". The leucine amino acid residue is found in multiple mammalian species, which suggests that this missense change does not adversely affect protein function. In summary, the available evidence is currently insufficient to determine the role of this variant in disease. Therefore, it has been classified as a Variant of Uncertain Significance.

NM_198252.3(GSN):c.-9-2025G>T

Gene: GSN (gelsolin; plus strand). Cytogenetic location: 9q33.2.
Variant type: single nucleotide variant.
Coding change: c.-9-2025G>T on transcript NM_198252.3 (MANE Select); 2025 bases into the intron before 9 bases upstream of the start codon, G replaced by T.
Molecular consequence: intron variant. On other transcripts: missense variant (1).
Genome position (GRCh38, 1-based): chr9:121,299,938, G>T. VCF-style: chr9-121299938-G-T. GRCh37 (hg19) VCF-style: chr9-124062216-G-T.
Other names: c.77G>T, p.Arg26Leu (NM_000177.5); c.-9-2025G>T (NM_001353054.1, NM_001353053.1, NM_001353060.2 and 5 more transcripts); c.-47-118G>T (NM_001353064.2, NM_001353066.2, NM_001353072.2 and 8 more transcripts); c.-1-2033G>T (NM_001353058.2, NM_001353059.2, NM_001353056.2 and 1 more transcripts); c.-38-127G>T (NM_001353073.2, NM_001353065.2, NM_001353068.2 and 2 more transcripts); c.100-2025G>T (NM_001127663.2); c.-32-133G>T (NM_001353070.2); c.-48-1986G>T (NM_001353055.2); and 3 more; short protein forms R26L.
Identifiers: ClinVar variation 2994884 (VCV002994884.3), dbSNP rs1462234420, ClinGen allele CA374751942.